The following is an entry in ClinVar:

ClinVar aggregate classification (germline): Likely pathogenic (1 of 4 stars; one submission).

Conditions:
Neonatal pseudo-hydrocephalic progeroid syndrome. Also called: Wiedemann-Rautenstrauch syndrome. Identifiers: Orphanet 3455, MedGen C0406586, MONDO:0009910, OMIM 264090.

Submission:

Neuberg Centre For Genomic Medicine, NCGM
Classification: Likely pathogenic for Neonatal pseudo-hydrocephalic progeroid syndrome. Last evaluated: 2023-06-22. Review status: criteria provided, single submitter. Criteria: ACMG Guidelines, 2015. Collection method: clinical testing. Allele origin: germline. Inheritance: Autosomal recessive inheritance. Affected: yes.
Comment: The frameshift variant c.3325del (p.Leu1109SerfsTer32) in the POLR3A gene has not been reported previously as a pathogenic variant nor as a benign variant, to our knowledge. The variant is absent in gnomAD Exomes. This variant causes a frameshift starting with codon Leucine 1109, changes this amino acid to Serine residue, and creates a premature Stop codon at position 32 of the new reading frame. This variant is predicted to cause loss of normal protein function through protein truncation. Loss of function variants have been previously reported to be disease causing (Jay et al., 2016). For these reasons, this variant has been classified as Likely Pathogenic. In the absence of another reportable variant, the molecular diagnosis is not confirmed.

NM_007055.4(POLR3A):c.3325del (p.Leu1109fs)

Genes: POLR3A (RNA polymerase III subunit A; minus strand), LOC126860970 (BRD4-independent group 4 enhancer GRCh37_chr10:79743812-79745011; plus strand). Cytogenetic location: 10q22.3.
Variant type: Deletion.
Coding change: c.3325del on transcript NM_007055.4 (MANE Select); coding-DNA position 3325, one base deleted (C; older notation c.3325delC).
Protein change: p.Leu1109fs; shifts the reading frame from leucine 1109.
Molecular consequence: frameshift variant.
Genome position (GRCh38, 1-based): chr10:77,984,216, G deleted on the plus strand (C on the coding strand, the reverse complement: POLR3A is on the minus strand); the first of 3 consecutive G bases (chr10:77,984,216-77,984,218); deleting any one gives the same sequence. VCF-style (leftmost placement, unchanged base first): chr10-77984215-AG-A. GRCh37 (hg19) VCF-style: chr10-79743973-AG-A.
Other names: short protein forms L1109fs.
Identifiers: ClinVar variation 3731340 (VCV003731340.1).